The following is an entry in ClinVar:

ClinVar aggregate classification (germline): Uncertain significance (1 of 4 stars; one submission).

Conditions:
Hereditary cancer-predisposing syndrome. Also called: Neoplastic Syndromes, Hereditary; Tumor predisposition; Hereditary Cancer Syndrome; Hereditary neoplastic syndrome. Identifiers: Orphanet 140162, MedGen C0027672, MeSH D009386, MONDO:0015356.

Submission:

Ambry Genetics
Classification: Uncertain significance for Hereditary cancer-predisposing syndrome. Last evaluated: 2020-05-04. Review status: criteria provided, single submitter. Criteria: Ambry Variant Classification Scheme 2023. Collection method: clinical testing. Allele origin: germline.
Comment: The p.D97V variant (also known as c.290A>T), located in coding exon 4 of the PMS2 gene, results from an A to T substitution at nucleotide position 290. The aspartic acid at codon 97 is replaced by valine, an amino acid with highly dissimilar properties. This amino acid position is highly conserved in available vertebrate species. In addition, this alteration is predicted to be deleterious by in silico analysis. Since supporting evidence is limited at this time, the clinical significance of this alteration remains unclear.

NM_000535.7(PMS2):c.290A>T (p.Asp97Val)

Gene: PMS2 (PMS1 homolog 2, mismatch repair system component; minus strand). Cytogenetic location: 7p22.1.
Variant type: single nucleotide variant.
Coding change: c.290A>T on transcript NM_000535.7 (MANE Select); coding-DNA position 290, A replaced by T.
Protein change: p.Asp97Val; replaces aspartic acid 97 with valine.
Molecular consequence: missense variant. On other transcripts: 5 prime UTR variant (9), non-coding transcript variant (1), intron variant (2).
Genome position (GRCh38, 1-based): chr7:6,003,753, T>A on the plus strand (A>T on the coding strand, the complement: PMS2 is on the minus strand). VCF-style: chr7-6003753-T-A. GRCh37 (hg19) VCF-style: chr7-6043384-T-A.
Other names: c.-116A>T (NM_001018040.1, NM_001322003.2, NM_001322004.2 and 14 more transcripts); c.290A>T, p.Asp97Val (NM_001322006.2, NM_001322014.2, NM_001406869.1 and 8 more transcripts); c.-595A>T (NM_001322011.2, NM_001322012.2); c.-195A>T (NM_001322015.2, NM_001406875.1, NM_001406877.1 and 3 more transcripts); c.476A>T, p.Asp159Val (NM_001406866.1); c.314A>T, p.Asp105Val (NM_001406868.1); c.-142A>T (NM_001406880.1); c.-63A>T (NM_001406888.1, NM_001406889.1, NM_001406892.1 and 6 more transcripts); and 2 more; short protein forms D97V, D159V, D105V.
Identifiers: ClinVar variation 1797558 (VCV001797558.2), dbSNP rs1175866554, ClinGen allele CA366744645.